The following is an entry in ClinVar:

NM_004655.4(AXIN2):c.2406-2A>G

Gene: AXIN2 (axin 2; minus strand). Cytogenetic location: 17q24.1.
Variant type: single nucleotide variant.
Coding change: c.2406-2A>G on transcript NM_004655.4 (MANE Select); the canonical splice acceptor site of the intron before coding-DNA position 2406, A replaced by G.
Molecular consequence: splice acceptor variant.
Genome position (GRCh38, 1-based): chr17:65,530,104, T>C on the plus strand (A>G on the coding strand, the complement: AXIN2 is on the minus strand). VCF-style: chr17-65530104-T-C. GRCh37 (hg19) VCF-style: chr17-63526222-T-C.
Other names: c.2211-2A>G (NM_001363813.1).
Identifiers: ClinVar variation 3335704 (VCV003335704.1).

ClinVar aggregate classification (germline): Uncertain significance (1 of 4 stars; one submission).

Conditions:
Hereditary cancer-predisposing syndrome. Also called: Neoplastic Syndromes, Hereditary; Tumor predisposition; Hereditary neoplastic syndrome; Hereditary Cancer Syndrome. Identifiers: Orphanet 140162, MedGen C0027672, MeSH D009386, MONDO:0015356.

Submission:

Ambry Genetics
Classification: Uncertain significance for Hereditary cancer-predisposing syndrome. Last evaluated: 2024-06-03. Review status: criteria provided, single submitter. Criteria: Ambry Variant Classification Scheme 2023. Collection method: clinical testing. Allele origin: germline.
Comment: The c.2406-2A>G intronic variant results from an A to G substitution two nucleotides upstream from coding exon 10 in the AXIN2 gene. This alteration occurs at the 3' terminus of the AXIN2 gene, is not expected to trigger nonsense-mediated mRNA decay, and only impacts 4.9% of the protein. The exact functional effect of this alteration is unknown; however, the impacted region is critical for protein function (Ambry internal data). This nucleotide position is highly conserved in available vertebrate species. In silico splice site analysis predicts that this alteration will weaken the native splice acceptor site and will result in the creation or strengthening of a novel splice acceptor site. Based on the available evidence, the clinical significance of this variant remains unclear.